The following is an entry in ClinVar:

ClinVar aggregate classification (germline): Uncertain significance (1 of 4 stars; one submission).

Conditions:
Charcot-Marie-Tooth disease type 4. Also called: Charcot-Marie-Tooth, Type 4; Charcot-Marie-Tooth disease, type IV. Identifiers: Orphanet 64749, MedGen C4082197, MONDO:0018995.

Submission:

Labcorp Genetics (formerly Invitae), Labcorp
Classification: Uncertain significance for Charcot-Marie-Tooth disease type 4. Last evaluated: 2024-03-11. Review status: criteria provided, single submitter. Criteria: Invitae Variant Classification Sherloc (09022015). Collection method: clinical testing. Allele origin: germline.
Comment: This sequence change replaces valine, which is neutral and non-polar, with phenylalanine, which is neutral and non-polar, at codon 678 of the PRX protein (p.Val678Phe). This variant is not present in population databases (gnomAD no frequency). This variant has not been reported in the literature in individuals affected with PRX-related conditions. Advanced modeling of protein sequence and biophysical properties (such as structural, functional, and spatial information, amino acid conservation, physicochemical variation, residue mobility, and thermodynamic stability) performed at Invitae indicates that this missense variant is not expected to disrupt PRX protein function with a negative predictive value of 80%. In summary, the available evidence is currently insufficient to determine the role of this variant in disease. Therefore, it has been classified as a Variant of Uncertain Significance.

NM_181882.3(PRX):c.2032G>T (p.Val678Phe)

Gene: PRX (periaxin; minus strand). Cytogenetic location: 19q13.2.
Variant type: single nucleotide variant.
Coding change: c.2032G>T on transcript NM_181882.3 (MANE Select); coding-DNA position 2032, G replaced by T.
Protein change: p.Val678Phe; replaces valine 678 with phenylalanine.
Molecular consequence: missense variant. On other transcripts: 3 prime UTR variant (1).
Genome position (GRCh38, 1-based): chr19:40,396,320, C>A on the plus strand (G>T on the coding strand, the complement: PRX is on the minus strand). VCF-style: chr19-40396320-C-A. GRCh37 (hg19) VCF-style: chr19-40902227-C-A.
Other names: c.2317G>T, p.Val773Phe (NM_001411127.1); c.*2237G>T (NM_020956.2); short protein forms V678F, V773F.
Identifiers: ClinVar variation 2804742 (VCV002804742.3), dbSNP rs2514804770, ClinGen allele CA405897144.